The following is an entry in ClinVar:

ClinVar aggregate classification (germline): Uncertain significance (1 of 4 stars; one submission).

Conditions:
Cardiovascular phenotype. Identifiers: MedGen CN230736.

Allele frequency attached by ClinVar (database versions not stated): ExAC 0.00028.

Submission:

Ambry Genetics
Classification: Uncertain significance for Cardiovascular phenotype. Last evaluated: 2021-11-14. Review status: criteria provided, single submitter. Criteria: Ambry Variant Classification Scheme 2023. Collection method: clinical testing. Allele origin: germline.
Comment: The p.H463P variant (also known as c.1388A>C), located in coding exon 8 of the TBX5 gene, results from an A to C substitution at nucleotide position 1388. The histidine at codon 463 is replaced by proline, an amino acid with similar properties. This amino acid position is conserved. In addition, this alteration is predicted to be tolerated by in silico analysis. Since supporting evidence is limited at this time, the clinical significance of this alteration remains unclear.

NM_181486.4(TBX5):c.1388A>C (p.His463Pro)

Gene: TBX5 (T-box transcription factor 5; minus strand). Cytogenetic location: 12q24.21.
Variant type: single nucleotide variant.
Coding change: c.1388A>C on transcript NM_181486.4 (MANE Select); coding-DNA position 1388, A replaced by C.
Protein change: p.His463Pro; replaces histidine 463 with proline.
Molecular consequence: missense variant.
Genome position (GRCh38, 1-based): chr12:114,355,701, T>G on the plus strand (A>C on the coding strand, the complement: TBX5 is on the minus strand). VCF-style: chr12-114355701-T-G. GRCh37 (hg19) VCF-style: chr12-114793506-T-G.
Other names: c.1388A>C, p.His463Pro (NM_000192.3); c.1238A>C, p.His413Pro (NM_080717.4); short protein forms H463P, H413P.
Identifiers: ClinVar variation 1771446 (VCV001771446.2), dbSNP rs750423209, ClinGen allele CA6809347.
Genomic context (GRCh38, chr12:114,355,701, plus strand): 5'-TGAAGGGTGCCAGGGGACTGCAGGCCAGTCTGAGGCCCACACTGCCTGACCACAGGCTGG[T>G]GGGCCACGGAGGTCTGGTGCTGGAACATTCCCTCTCCCAGCTGTGGGGAGCCATGGTTGG-3'
Protein context (NP_852259.1, residues 453-473): GMFQHQTSVA[His463Pro]QPVVRQCGPQ